The following is an entry in ClinVar:

NM_001099287.2(NIPAL4):c.-20G>A

Gene: NIPAL4 (NIPA like domain containing 4; plus strand). Cytogenetic location: 5q33.3.
Variant type: single nucleotide variant.
Coding change: c.-20G>A on transcript NM_001099287.2 (MANE Select); 20 bases upstream of the start codon, G replaced by A.
Molecular consequence: 5 prime UTR variant.
Genome position (GRCh38, 1-based): chr5:157,460,301, G>A. VCF-style: chr5-157460301-G-A. GRCh37 (hg19) VCF-style: chr5-156887309-G-A.
Other names: c.-20G>A (NM_001172292.2).
Identifiers: ClinVar variation 3393660 (VCV003393660.2).

ClinVar aggregate classification (germline): Conflicting classifications of pathogenicity. Review status: criteria provided, conflicting classifications (1 of 4 stars). 2 submissions from 2 submitters: Uncertain significance (1); Likely benign (1). Last evaluated 2026-01-28.

Submissions (2):

Labcorp Genetics (formerly Invitae), Labcorp
Classification: Likely benign. Last evaluated: 2026-01-28. Review status: criteria provided, single submitter. Criteria: Invitae Variant Classification Sherloc (09022015). Collection method: clinical testing. Allele origin: germline.

GeneDx
Classification: Uncertain significance. Last evaluated: 2024-07-02. Review status: criteria provided, single submitter. Criteria: GeneDx Variant Classification Process June 2021. Collection method: clinical testing. Allele origin: germline. Affected: yes.
Comment: In silico analysis indicates that this missense variant does not alter protein structure/function; Has not been previously published as pathogenic or benign to our knowledge